The following is an entry in ClinVar:

NM_015425.6(POLR1A):c.1028C>T (p.Ala343Val)

Gene: POLR1A (RNA polymerase I subunit A; minus strand). Cytogenetic location: 2p11.2.
Variant type: single nucleotide variant.
Coding change: c.1028C>T on transcript NM_015425.6 (MANE Select); coding-DNA position 1028, C replaced by T.
Protein change: p.Ala343Val; replaces alanine 343 with valine.
Molecular consequence: missense variant.
Genome position (GRCh38, 1-based): chr2:86,080,874, G>A on the plus strand (C>T on the coding strand, the complement: POLR1A is on the minus strand). VCF-style: chr2-86080874-G-A. GRCh37 (hg19) VCF-style: chr2-86307997-G-A.
Other names: c.1028C>T (NM_015425.3); short protein forms A343V.
Identifiers: ClinVar variation 2897967 (VCV002897967.4), dbSNP rs763524258, ClinGen allele CA1746461.

ClinVar aggregate classification (germline): Uncertain significance. Review status: criteria provided, multiple submitters, no conflicts (2 of 4 stars). 2 submissions from 2 submitters: Uncertain significance (2). Last evaluated 2024-04-16.

Conditions:
Inborn genetic diseases. Identifiers: MedGen C0950123, MeSH D030342.

Allele frequency attached by ClinVar (database versions not stated): gnomAD 0.00001; gnomAD exomes 0.00001; TOPMed 0.00001; ExAC 0.00002.
gnomAD v4.1: 10 of 1,613,982 alleles (0.00062%); highest among the groups gnomAD compares: Admixed American, 0.01%; no homozygotes.

Submissions (2):

Labcorp Genetics (formerly Invitae), Labcorp
Classification: Uncertain significance. Last evaluated: 2024-04-16. Review status: criteria provided, single submitter. Criteria: Invitae Variant Classification Sherloc (09022015). Collection method: clinical testing. Allele origin: germline.
Comment: This sequence change replaces alanine, which is neutral and non-polar, with valine, which is neutral and non-polar, at codon 343 of the POLR1A protein (p.Ala343Val). This variant is present in population databases (rs763524258, gnomAD 0.009%). This variant has not been reported in the literature in individuals affected with POLR1A-related conditions. Advanced modeling of protein sequence and biophysical properties (such as structural, functional, and spatial information, amino acid conservation, physicochemical variation, residue mobility, and thermodynamic stability) performed at Invitae indicates that this missense variant is not expected to disrupt POLR1A protein function with a negative predictive value of 80%. In summary, the available evidence is currently insufficient to determine the role of this variant in disease. Therefore, it has been classified as a Variant of Uncertain Significance.

Ambry Genetics
Classification: Uncertain significance for Inborn genetic diseases. Last evaluated: 2024-01-22. Review status: criteria provided, single submitter. Criteria: Ambry Variant Classification Scheme 2023. Collection method: clinical testing. Allele origin: germline.